The following is an entry in ClinVar:

NM_001308093.3(GATA4):c.119C>T (p.Pro40Leu)

Gene: GATA4 (GATA binding protein 4). Cytogenetic location: 8p23.1.
Variant type: single nucleotide variant.
Coding change: c.119C>T on transcript NM_001308093.3 (MANE Select); coding-DNA position 119, C replaced by T.
Protein change: p.Pro40Leu; replaces proline 40 with leucine.
Molecular consequence: missense variant. On other transcripts: intron variant (3).
Genome position (GRCh38, 1-based): chr8:11,708,431, C>T. VCF-style: chr8-11708431-C-T. GRCh37 (hg19) VCF-style: chr8-11565940-C-T.
Other names: c.119C>T, p.Pro40Leu (NM_002052.5); c.-6+7653C>T (NM_001308094.2); c.-3+417C>T (NM_001374274.1); c.-3+4127C>T (NM_001374273.1); short protein forms P40L.
Identifiers: ClinVar variation 4857886 (VCV004857886.1).

ClinVar aggregate classification (germline): Uncertain significance (1 of 4 stars; one submission).

Conditions:
Cardiovascular phenotype. Identifiers: MedGen CN230736.

gnomAD v4.1: 1 of 1,535,270 alleles (0.000065%); highest among the groups gnomAD compares: Non-Finnish European, 0.000087%; no homozygotes.

Submission:

Ambry Genetics
Classification: Uncertain significance for Cardiovascular phenotype. Last evaluated: 2026-05-23. Review status: criteria provided, single submitter. Criteria: Ambry Variant Classification Scheme 2023. Collection method: clinical testing. Allele origin: germline.
Comment: The p.P40L variant (also known as c.119C>T), located in coding exon 1 of the GATA4 gene, results from a C to T substitution at nucleotide position 119. The proline at codon 40 is replaced by leucine, an amino acid with similar properties. This amino acid position is conserved. In addition, this alteration is predicted to be deleterious by in silico analysis. Based on the available evidence, the clinical significance of this variant remains unclear.